The following is an entry in ClinVar:

NM_000717.5(CA4):c.226G>A (p.Asp76Asn)

Gene: CA4 (carbonic anhydrase 4; plus strand). Cytogenetic location: 17q23.1.
Variant type: single nucleotide variant.
Coding change: c.226G>A on transcript NM_000717.5 (MANE Select); coding-DNA position 226, G replaced by A.
Protein change: p.Asp76Asn; replaces aspartic acid 76 with asparagine.
Molecular consequence: missense variant. On other transcripts: non-coding transcript variant (1).
Genome position (GRCh38, 1-based): chr17:60,156,673, G>A. VCF-style: chr17-60156673-G-A. GRCh37 (hg19) VCF-style: chr17-58234034-G-A.
Other names: c.226G>A (NM_000717.3); short protein forms D76N.
Identifiers: ClinVar variation 2854304 (VCV002854304.4), dbSNP rs753005580, ClinGen allele CA8685267.

ClinVar aggregate classification (germline): Uncertain significance. Review status: criteria provided, multiple submitters, no conflicts (2 of 4 stars). 2 submissions from 2 submitters: Uncertain significance (2). Last evaluated 2025-08-04.

Allele frequency attached by ClinVar (database versions not stated): ExAC 0.00002; gnomAD exomes 0.00002; TOPMed 0.00003; gnomAD 0.00005.

Submissions (2):

Ambry Genetics
Classification: Uncertain significance. Last evaluated: 2025-08-04. Review status: criteria provided, single submitter. Criteria: Ambry Variant Classification Scheme 2023. Collection method: clinical testing. Allele origin: germline.

Labcorp Genetics (formerly Invitae), Labcorp
Classification: Uncertain significance. Last evaluated: 2024-06-19. Review status: criteria provided, single submitter. Criteria: Invitae Variant Classification Sherloc (09022015). Collection method: clinical testing. Allele origin: germline.
Comment: This sequence change replaces aspartic acid, which is acidic and polar, with asparagine, which is neutral and polar, at codon 76 of the CA4 protein (p.Asp76Asn). This variant is present in population databases (rs753005580, gnomAD 0.01%). This variant has not been reported in the literature in individuals affected with CA4-related conditions. Advanced modeling of protein sequence and biophysical properties (such as structural, functional, and spatial information, amino acid conservation, physicochemical variation, residue mobility, and thermodynamic stability) performed at Invitae indicates that this missense variant is not expected to disrupt CA4 protein function with a negative predictive value of 80%. In summary, the available evidence is currently insufficient to determine the role of this variant in disease. Therefore, it has been classified as a Variant of Uncertain Significance.